The following is an entry in ClinVar:

ClinVar aggregate classification (germline): Uncertain significance (1 of 4 stars; one submission).

Conditions:
Inborn genetic diseases. Identifiers: MedGen C0950123, MeSH D030342.

Allele frequency attached by ClinVar (database versions not stated): gnomAD exomes below 0.00001; TOPMed below 0.00001; ExAC 0.00001; gnomAD 0.00003.
gnomAD v4.1: 7 of 1,613,232 alleles (0.00043%); highest among the groups gnomAD compares: African/African-American, 0.0093%; no homozygotes.

Submission:

Ambry Genetics
Classification: Uncertain significance for Inborn genetic diseases. Last evaluated: 2021-03-03. Review status: criteria provided, single submitter. Criteria: Ambry Variant Classification Scheme 2023. Collection method: clinical testing. Allele origin: germline.
Comment: The c.403G>A (p.A135T) alteration is located in exon 5 (coding exon 5) of the FDXR gene. This alteration results from a G to A substitution at nucleotide position 403, causing the alanine (A) at amino acid position 135 to be replaced by a threonine (T). The in silico prediction for the p.A135T alteration is inconclusive. Based on insufficient or conflicting evidence, the clinical significance of this alteration remains unclear.

NM_024417.5(FDXR):c.403G>A (p.Ala135Thr)

Gene: FDXR (ferredoxin reductase; minus strand). Cytogenetic location: 17q25.1.
Variant type: single nucleotide variant.
Coding change: c.403G>A on transcript NM_024417.5 (MANE Select); coding-DNA position 403, G replaced by A.
Protein change: p.Ala135Thr; replaces alanine 135 with threonine.
Molecular consequence: missense variant. On other transcripts: non-coding transcript variant (1).
Genome position (GRCh38, 1-based): chr17:74,866,235, C>T on the plus strand (G>A on the coding strand, the complement: FDXR is on the minus strand). VCF-style: chr17-74866235-C-T. GRCh37 (hg19) VCF-style: chr17-72862357-C-T.
Other names: c.532G>A, p.Ala178Thr (NM_001258012.4); c.496G>A, p.Ala166Thr (NM_001258013.4); c.379G>A, p.Ala127Thr (NM_001258014.4); c.283G>A, p.Ala95Thr (NM_001258015.3); c.247G>A, p.Ala83Thr (NM_001258016.3); c.403G>A, p.Ala135Thr (NM_004110.6); short protein forms A127T, A178T, A135T, A166T, A83T, A95T.
Identifiers: ClinVar variation 2409671 (VCV002409671.2), dbSNP rs751496458, ClinGen allele CA8753224.